The following is an entry in ClinVar:

ClinVar aggregate classification (germline): Uncertain significance. Review status: criteria provided, multiple submitters, no conflicts (2 of 4 stars). 3 submissions from 3 submitters: Uncertain significance (3). Last evaluated 2025-10-21.

Conditions:
Hereditary cancer-predisposing syndrome. Also called: Neoplastic Syndromes, Hereditary; Hereditary neoplastic syndrome; Tumor predisposition; Hereditary Cancer Syndrome. Identifiers: Orphanet 140162, MedGen C0027672, MeSH D009386, MONDO:0015356.
Tuberous sclerosis syndrome (TSC). Also called: Tuberous Sclerosis Complex; Tuberous sclerosis. Identifiers: Orphanet 805, MedGen C0041341, MONDO:0001734.
Tuberous sclerosis 2 (TSC2). Identifiers: Orphanet 805, MedGen C1860707, MONDO:0013199, OMIM 613254.

Allele frequency attached by ClinVar (database versions not stated): gnomAD exomes 0.00001.
gnomAD v4.1: 3 of 1,610,406 alleles (0.00019%); highest among the groups gnomAD compares: Non-Finnish European, 0.00025%; no homozygotes.

Submissions (3):

Ambry Genetics
Classification: Uncertain significance for Hereditary cancer-predisposing syndrome. Last evaluated: 2025-10-21. Review status: criteria provided, single submitter. Criteria: Ambry Variant Classification Scheme 2023. Collection method: clinical testing. Allele origin: germline.
Comment: The p.L1317S variant (also known as c.3950T>C), located in coding exon 32 of the TSC2 gene, results from a T to C substitution at nucleotide position 3950. The leucine at codon 1317 is replaced by serine, an amino acid with dissimilar properties. This amino acid position is conserved. In addition, the in silico prediction for this alteration is inconclusive. Since supporting evidence is limited at this time, the clinical significance of this alteration remains unclear.

Labcorp Genetics (formerly Invitae), Labcorp
Classification: Uncertain significance for Tuberous sclerosis 2. Last evaluated: 2025-09-16. Review status: criteria provided, single submitter. Criteria: Invitae Variant Classification Sherloc (09022015). Collection method: clinical testing. Allele origin: germline.
Comment: This sequence change replaces leucine, which is neutral and non-polar, with serine, which is neutral and polar, at codon 1317 of the TSC2 protein (p.Leu1317Ser). This variant is not present in population databases (gnomAD no frequency). This variant has not been reported in the literature in individuals affected with TSC2-related conditions. ClinVar contains an entry for this variant (Variation ID: 839038). Invitae Evidence Modeling of protein sequence and biophysical properties (such as structural, functional, and spatial information, amino acid conservation, physicochemical variation, residue mobility, and thermodynamic stability) indicates that this missense variant is not expected to disrupt TSC2 protein function with a negative predictive value of 95%. In summary, the available evidence is currently insufficient to determine the role of this variant in disease. Therefore, it has been classified as a Variant of Uncertain Significance.

All of Us Research Program, National Institutes of Health
Classification: Uncertain significance for Tuberous sclerosis syndrome. Last evaluated: 2023-06-26. Review status: criteria provided, single submitter. Criteria: ACMG Guidelines, 2015. Collection method: clinical testing. Allele origin: germline. Inheritance: Autosomal dominant inheritance. Observed: 2 variant alleles, 2 heterozygotes.
Comment: This missense variant replaces leucine with serine at codon 1317 of the TSC2 protein. Computational prediction suggests that this variant may not impact protein structure and function (internally defined REVEL score threshold <= 0.5, PMID: 27666373). To our knowledge, functional studies have not been reported for this variant. This variant has not been reported in individuals affected with TSC2-related disorders in the literature. This variant has not been identified in the general population by the Genome Aggregation Database (gnomAD). The available evidence is insufficient to determine the role of this variant in disease conclusively. Therefore, this variant is classified as a Variant of Uncertain Significance.

This study involves interpretation of variants in research participants for the purpose of population health screening. Participant phenotype was not available at the time of variant classification. Additional details can be found in publication PMID: 35346344, PMCID: PMC8962531

NM_000548.5(TSC2):c.3950T>C (p.Leu1317Ser)

Gene: TSC2 (TSC complex subunit 2; plus strand). Cytogenetic location: 16p13.3.
Variant type: single nucleotide variant.
Coding change: c.3950T>C on transcript NM_000548.5 (MANE Select); coding-DNA position 3950, T replaced by C.
Protein change: p.Leu1317Ser; replaces leucine 1317 with serine.
Molecular consequence: missense variant.
Genome position (GRCh38, 1-based): chr16:2,083,761, T>C. VCF-style: chr16-2083761-T-C. GRCh37 (hg19) VCF-style: chr16-2133762-T-C.
Other names: c.3749T>C, p.Leu1250Ser (NM_001077183.3); c.3881T>C, p.Leu1294Ser (NM_001114382.3); c.3641T>C, p.Leu1214Ser (NM_001318827.2); c.3605T>C, p.Leu1202Ser (NM_001318829.2); c.3218T>C, p.Leu1073Ser (NM_001318831.2); c.3782T>C, p.Leu1261Ser (NM_001318832.2); c.3752T>C, p.Leu1251Ser (NM_001363528.2); c.3818T>C, p.Leu1273Ser (NM_001370404.1); and 1 more; short protein forms L1261S, L1273S, L1202S, L1251S, L1073S, L1214S, L1317S, L1250S.
Identifiers: ClinVar variation 839038 (VCV000839038.15), dbSNP rs2090425460, ClinGen allele CA394297410.